The following is an entry in ClinVar:

NM_012330.4(KAT6B):c.4087G>T (p.Glu1363Ter)

Gene: KAT6B (lysine acetyltransferase 6B; plus strand). Cytogenetic location: 10q22.2.
Variant type: single nucleotide variant.
Coding change: c.4087G>T on transcript NM_012330.4 (MANE Select); coding-DNA position 4087, G replaced by T.
Protein change: p.Glu1363Ter; replaces glutamic acid 1363 with a stop codon.
Molecular consequence: nonsense.
Genome position (GRCh38, 1-based): chr10:75,028,911, G>T. VCF-style: chr10-75028911-G-T. GRCh37 (hg19) VCF-style: chr10-76788669-G-T.
Other names: c.3538G>T, p.Glu1180Ter (NM_001256468.2, NM_001370138.1); c.3211G>T, p.Glu1071Ter (NM_001256469.2, NM_001370139.1, NM_001370140.1 and 2 more transcripts); c.3049G>T, p.Glu1017Ter (NM_001370132.1); c.2398G>T, p.Glu800Ter (NM_001370133.1); c.2002G>T, p.Glu668Ter (NM_001370134.1); c.1744G>T, p.Glu582Ter (NM_001370135.1); c.4087G>T, p.Glu1363Ter (NM_001370136.1, NM_001370137.1); c.3022G>T, p.Glu1008Ter (NM_001370143.1, NM_001370144.1); short protein forms E1363*, E1180*, E668*, E1008*, E1071*, E582*, E800*, E1017*.
Identifiers: ClinVar variation 620340 (VCV000620340.1), dbSNP rs1462584619, ClinGen allele CA377295459.

ClinVar aggregate classification (germline): Pathogenic (1 of 4 stars; one submission).

Submission:

GeneDx
Classification: Pathogenic. Last evaluated: 2018-09-05. Review status: criteria provided, single submitter. Criteria: GeneDx Variant Classification (06012015). Collection method: clinical testing. Allele origin: germline. Affected: yes.
Comment: The E1363X variant in the KAT6B gene has not been reported previously as a pathogenic variant nor as a benign variant, to our knowledge. This variant is predicted to cause loss of normal protein function through protein truncation as the last 651 amino acids are lost. The E1363X variant is not observed in large population cohorts (Lek et al., 2016). We interpret E1363X as a pathogenic variant.